The following is an entry in ClinVar:

NM_001321075.3(DLG4):c.1694-20G>A

Gene: DLG4 (discs large MAGUK scaffold protein 4; minus strand). Cytogenetic location: 17p13.1.
Variant type: single nucleotide variant.
Coding change: c.1694-20G>A on transcript NM_001321075.3 (MANE Select); 20 bases into the intron before coding-DNA position 1694, G replaced by A.
Molecular consequence: intron variant.
Genome position (GRCh38, 1-based): chr17:7,193,137, C>T on the plus strand (G>A on the coding strand, the complement: DLG4 is on the minus strand). VCF-style: chr17-7193137-C-T. GRCh37 (hg19) VCF-style: chr17-7096456-C-T.
Other names: c.1823-20G>A (NM_001365.5); c.1685-20G>A (NM_001128827.4); c.1613-20G>A (NM_001369566.3); c.1514-20G>A (NM_001321077.3, NM_001321076.3); c.1814-20G>A (NM_001321074.1).
Identifiers: ClinVar variation 2682273 (VCV002682273.1), dbSNP rs1231237550, ClinGen allele CA624861113.

ClinVar aggregate classification (germline): Likely benign (1 of 4 stars; one submission).

Allele frequency attached by ClinVar (database versions not stated): TOPMed 0.00002.
gnomAD v4.1: 19 of 1,612,548 alleles (0.0012%); highest among the groups gnomAD compares: South Asian, 0.014%; no homozygotes.

Submission:

Women's Health and Genetics/Laboratory Corporation of America, LabCorp
Classification: Likely benign. Last evaluated: 2023-11-27. Review status: criteria provided, single submitter. Criteria: LabCorp Variant Classification Summary - May 2015. Collection method: clinical testing. Allele origin: germline.
Comment: Variant summary: DLG4 c.1823-20G>A alters a non-conserved nucleotide located at a position not widely known to affect splicing. Consensus agreement among computation tools predict no significant impact on normal splicing. However, these predictions have yet to be confirmed by functional studies. The variant allele was found at a frequency of 8.1e-06 in 245950 control chromosomes (gnomAD). The available data on variant occurrences in the general population are insufficient to allow any conclusion about variant significance. To our knowledge, no occurrence of c.1823-20G>A in individuals affected with Intellectual Developmental Disorder 62 and no experimental evidence demonstrating its impact on protein function have been reported. No submitters have cited clinical-significance assessments for this variant to ClinVar after 2014. Based on the evidence outlined above, the variant was classified as likely benign.